The following is an entry in ClinVar:

ClinVar aggregate classification (germline): Uncertain significance. Review status: criteria provided, multiple submitters, no conflicts (2 of 4 stars). 2 submissions from 2 submitters: Uncertain significance (2). Last evaluated 2025-12-15.

Conditions:
DICER1-related tumor predisposition. Also called: DICER1-related pleuropulmonary blastoma cancer predisposition syndrome; DICER1 syndrome. Identifiers: Orphanet 284343, MedGen C3839822, MONDO:0100216.
Hereditary cancer-predisposing syndrome. Also called: Hereditary Cancer Syndrome; Neoplastic Syndromes, Hereditary; Tumor predisposition; Hereditary neoplastic syndrome. Identifiers: Orphanet 140162, MedGen C0027672, MeSH D009386, MONDO:0015356.

Submissions (2):

Ambry Genetics
Classification: Uncertain significance for Hereditary cancer-predisposing syndrome. Last evaluated: 2025-12-15. Review status: criteria provided, single submitter. Criteria: Ambry Variant Classification Scheme 2023. Collection method: clinical testing. Allele origin: germline.
Comment: The p.A1078T variant (also known as c.3232G>A), located in coding exon 19 of the DICER1 gene, results from a G to A substitution at nucleotide position 3232. The alanine at codon 1078 is replaced by threonine, an amino acid with similar properties. This amino acid position is conserved. In addition, the in silico prediction for this alteration is inconclusive. Based on the available evidence, the clinical significance of this variant remains unclear.

Labcorp Genetics (formerly Invitae), Labcorp
Classification: Uncertain significance for DICER1-related tumor predisposition. Last evaluated: 2020-06-15. Review status: criteria provided, single submitter. Criteria: Invitae Variant Classification Sherloc (09022015). Collection method: clinical testing. Allele origin: germline.
Comment: This sequence change replaces alanine with threonine at codon 1078 of the DICER1 protein (p.Ala1078Thr). The alanine residue is highly conserved and there is a small physicochemical difference between alanine and threonine. This variant is not present in population databases (ExAC no frequency). This variant has not been reported in the literature in individuals with DICER1-related conditions. Algorithms developed to predict the effect of missense changes on protein structure and function are either unavailable or do not agree on the potential impact of this missense change (SIFT: "Tolerated"; PolyPhen-2: "Possibly Damaging"; Align-GVGD: "Class C0"). In summary, the available evidence is currently insufficient to determine the role of this variant in disease. Therefore, it has been classified as a Variant of Uncertain Significance.

NM_177438.3(DICER1):c.3232G>A (p.Ala1078Thr)

Gene: DICER1 (dicer 1, ribonuclease III; minus strand). Cytogenetic location: 14q32.13.
Variant type: single nucleotide variant.
Coding change: c.3232G>A on transcript NM_177438.3 (MANE Select); coding-DNA position 3232, G replaced by A.
Protein change: p.Ala1078Thr; replaces alanine 1078 with threonine.
Molecular consequence: missense variant.
Genome position (GRCh38, 1-based): chr14:95,105,108, C>T on the plus strand (G>A on the coding strand, the complement: DICER1 is on the minus strand). VCF-style: chr14-95105108-C-T. GRCh37 (hg19) VCF-style: chr14-95571445-C-T.
Other names: c.3232G>A, p.Ala1078Thr (NM_001195573.1, NM_001271282.3, NM_001291628.2 and 1 more transcripts); c.3232G>A (NM_177438.2); short protein forms A1078T.
Identifiers: ClinVar variation 1004897 (VCV001004897.11), dbSNP rs1488726216, ClinGen allele CA390876415.